The following is an entry in ClinVar:

NM_000479.5(AMH):c.430C>T (p.Pro144Ser)

Gene: AMH (anti-Mullerian hormone; plus strand). Cytogenetic location: 19p13.3.
Variant type: single nucleotide variant.
Coding change: c.430C>T on transcript NM_000479.5 (MANE Select); coding-DNA position 430, C replaced by T.
Protein change: p.Pro144Ser; replaces proline 144 with serine.
Molecular consequence: missense variant.
Genome position (GRCh38, 1-based): chr19:2,250,354, C>T. VCF-style: chr19-2250354-C-T. GRCh37 (hg19) VCF-style: chr19-2250353-C-T.
Other names: short protein forms P144S.
Identifiers: ClinVar variation 4692495 (VCV004692495.1).
Genomic context (GRCh38, chr19:2,250,354, plus strand): 5'-TGGCCTTCAATGGCTCAGGCGTCCCCTGCTGTCCCGGCTGCAGTGACCTGGGAGCCAACA[C>T]CCTCGCTGAGGTTCCAGGAGCCCCCGCCTGGAGGAGCTGGCCCCCCAGAGCTGGCGCTGC-3'
Protein context (NP_000470.3, residues 134-154): HLEEVTWEPT[Pro144Ser]SLRFQEPPPG

ClinVar aggregate classification (germline): Uncertain significance (1 of 4 stars; one submission).

Submission:

Labcorp Genetics (formerly Invitae), Labcorp
Classification: Uncertain significance. Last evaluated: 2025-06-30. Review status: criteria provided, single submitter. Criteria: Invitae Variant Classification Sherloc (09022015). Collection method: clinical testing. Allele origin: germline.
Comment: This sequence change replaces proline, which is neutral and non-polar, with serine, which is neutral and polar, at codon 144 of the AMH protein (p.Pro144Ser). This variant is not present in population databases (gnomAD no frequency). This variant has not been reported in the literature in individuals affected with AMH-related conditions. An algorithm developed to predict the effect of missense changes on protein structure and function (PolyPhen-2) suggests that this variant is likely to be disruptive. In summary, the available evidence is currently insufficient to determine the role of this variant in disease. Therefore, it has been classified as a Variant of Uncertain Significance.